The following is an entry in ClinVar:

NM_000089.4(COL1A2):c.3019G>A (p.Asp1007Asn)

Gene: COL1A2 (collagen type I alpha 2 chain; plus strand). Cytogenetic location: 7q21.3.
Variant type: single nucleotide variant.
Coding change: c.3019G>A on transcript NM_000089.4 (MANE Select); coding-DNA position 3019, G replaced by A.
Protein change: p.Asp1007Asn; replaces aspartic acid 1007 with asparagine.
Molecular consequence: missense variant.
Genome position (GRCh38, 1-based): chr7:94,426,444, G>A. VCF-style: chr7-94426444-G-A. GRCh37 (hg19) VCF-style: chr7-94055756-G-A.
Other names: p.Asp1007Asn; short protein forms D1007N.
Identifiers: ClinVar variation 1314448 (VCV001314448.14), dbSNP rs779934676, ClinGen allele CA4347647.
Genomic context (GRCh38, chr7:94,426,444, plus strand): 5'-AAAACGGTAAGTCTTATCCATCCTTCTGTTTCTTTATAGGGCCCACAAGGCATTCGTGGC[G>A]ATAAGGGAGAGCCCGGTGAAAAGGGGCCCAGAGGTCTTCCTGGCTTAAAGGGACACAATG-3'
Protein context (NP_000080.2, residues 997-1017): GPSGPQGIRG[Asp1007Asn]KGEPGEKGPR

ClinVar aggregate classification (germline): Uncertain significance. Review status: criteria provided, multiple submitters, no conflicts (2 of 4 stars). 7 submissions from 7 submitters: Uncertain significance (7). Last evaluated 2026-05-04.

Conditions:
Cardiovascular phenotype. Identifiers: MedGen CN230736.
Osteogenesis imperfecta type I (OI1). Also called: OI, TYPE I; OSTEOGENESIS IMPERFECTA TARDA; OSTEOGENESIS IMPERFECTA WITH BLUE SCLERAE; Osteogenesis imperfecta type 1; Lobstein's Disease; Lobstein disease. Identifiers: Orphanet 216796, Orphanet 666, MedGen C0023931, MONDO:0008146, OMIM 166200. Disease mechanism: loss of function.
Ehlers-Danlos syndrome, classic type, 1 (EDSCL1). Also called: EHLERS-DANLOS SYNDROME, GRAVIS TYPE; EHLERS-DANLOS SYNDROME, SEVERE CLASSIC TYPE; Ehlers-Danlos syndrome, type 1; EDS I; Ehlers-Danlos Syndrome, Classic Type, COL5A1-Related. Identifiers: MedGen C0268335, MONDO:0019567, OMIM 130000.
Ehlers-Danlos syndrome, arthrochalasia type, 2. Also called: EHLERS-DANLOS SYNDROME, TYPE VIIB, AUTOSOMAL DOMINANT. Identifiers: MedGen CN293783, MONDO:0040501, OMIM 617821.
Osteogenesis imperfecta, perinatal lethal (OI2). Also called: OSTEOGENESIS IMPERFECTA, TYPE II; OI, TYPE II; OSTEOGENESIS IMPERFECTA CONGENITA; VROLIK TYPE OF OSTEOGENESIS IMPERFECTA; Osteogenesis imperfecta, dominant perinatal lethal; Osteogenesis imperfecta type 2. Identifiers: Orphanet 216804, MedGen C0268358, MONDO:0008147, OMIM 166210.

Allele frequency attached by ClinVar (database versions not stated): gnomAD exomes 0.00003 and 0.00002; ExAC 0.00008; gnomAD 0.00002; TOPMed 0.00002.
gnomAD v4.1: 38 of 1,602,838 alleles (0.0024%); highest among the groups gnomAD compares: East Asian, 0.0067%; no homozygotes.

Submissions (7):

Ambry Genetics
Classification: Uncertain significance for Cardiovascular phenotype. Last evaluated: 2026-05-04. Review status: criteria provided, single submitter. Criteria: Ambry Variant Classification Scheme 2023. Collection method: clinical testing. Allele origin: germline.
Comment: The p.D1007N variant (also known as c.3019G>A), located in coding exon 46 of the COL1A2 gene, results from a G to A substitution at nucleotide position 3019. The aspartic acid at codon 1007 is replaced by asparagine, an amino acid with highly similar properties. This amino acid position is highly conserved in available vertebrate species. In addition, the in silico prediction for this alteration is inconclusive. Based on the available evidence, the clinical significance of this variant remains unclear.

Labcorp Genetics (formerly Invitae), Labcorp
Classification: Uncertain significance for Osteogenesis imperfecta type I; Ehlers-Danlos syndrome, classic type, 1. Last evaluated: 2025-12-26. Review status: criteria provided, single submitter. Criteria: Invitae Variant Classification Sherloc (09022015). Collection method: clinical testing. Allele origin: germline.
Comment: This sequence change replaces aspartic acid, which is acidic and polar, with asparagine, which is neutral and polar, at codon 1007 of the COL1A2 protein (p.Asp1007Asn). The frequency data for this variant in the population databases is considered unreliable, as metrics indicate poor data quality at this position in the gnomAD database. This variant has not been reported in the literature in individuals affected with COL1A2-related conditions. ClinVar contains an entry for this variant (Variation ID: 1314448). Invitae Evidence Modeling of protein sequence and biophysical properties (such as structural, functional, and spatial information, amino acid conservation, physicochemical variation, residue mobility, and thermodynamic stability) indicates that this missense variant is not expected to disrupt COL1A2 protein function with a negative predictive value of 80%. In summary, the available evidence is currently insufficient to determine the role of this variant in disease. Therefore, it has been classified as a Variant of Uncertain Significance.

Women's Health and Genetics/Laboratory Corporation of America, LabCorp
Classification: Uncertain significance. Last evaluated: 2025-07-22. Review status: criteria provided, single submitter. Criteria: LabCorp Variant Classification Summary - May 2015. Collection method: clinical testing. Allele origin: germline.
Comment: Variant summary: COL1A2 c.3019G>A (p.Asp1007Asn) results in a conservative amino acid change in the encoded protein sequence. Algorithms developed to predict the effect of missense changes on protein structure and function are either unavailable or do not agree on the potential impact of this missense change. The variant allele was found at a frequency of 2.6e-05 in 230940 control chromosomes. The available data on variant occurrences in the general population are insufficient to allow any conclusion about variant significance. To our knowledge, no occurrence of c.3019G>A in individuals affected with Ehlers-Danlos syndrome, cardiac valvular type or other COL1A2-related disorders and no experimental evidence demonstrating its impact on protein function have been reported. ClinVar contains an entry for this variant (Variation ID: 1314448). Based on the evidence outlined above, the variant was classified as uncertain significance.

Mayo Clinic Laboratories, Mayo Clinic
Classification: Uncertain significance. Last evaluated: 2025-02-13. Review status: criteria provided, single submitter. Criteria: ACMG Guidelines, 2015. Collection method: clinical testing. Allele origin: germline. Observed: 1 variant allele.
Comment: PP2

Pittsburgh Clinical Genomics Laboratory, University of Pittsburgh Medical Center
Classification: Uncertain significance for Ehlers-Danlos syndrome, arthrochalasia type, 2. Last evaluated: 2022-07-07. Review status: criteria provided, single submitter. Criteria: ACMG Guidelines, 2015. Collection method: clinical testing. Allele origin: germline. Inheritance: Autosomal dominant inheritance. Affected: yes.
Comment: This sequence variant is a single nucleotide substitution (G>A) at coding position 3019 of the COL1A2 gene that results in an aspartic acid to asparagine amino acid change at residue 1007 of the COL1A2 protein. This variant is found within a collagen triple helix repeat domain and alters the X residue of one of the Gly-X-Y repeats, where X and Y are variable amino acids. This is a previously reported variant (ClinVar) that has not been observed in the published literature in individuals with COL1A2-related disease, to our knowledge. This variant is present in control population datasets (gnomAD database 6 of 230940 alleles or 0.0026%). Multiple bioinformatic tools queried predict that this variant would be damaging, and the Asp1007 residue is highly conserved across the mammalian species examined. Studies testing the effect of this variant on protein function have not been performed, to our knowledge. At this time, there is insufficient evidence to determine if this variant is pathogenic or benign. Therefore, we consider this to be a variant of uncertain significance. ACMG Criteria: PM2, PP2, PP3

GeneDx
Classification: Uncertain significance. Last evaluated: 2021-04-02. Review status: criteria provided, single submitter. Criteria: GeneDx Variant Classification Process June 2021. Collection method: clinical testing. Allele origin: germline. Affected: yes.
Comment: Has not been previously published as pathogenic or benign to our knowledge; In silico analysis supports that this missense variant has a deleterious effect on protein structure/function; Occurs in the triple helical domain at the X position in the canonical Gly-X-Y repeat; although this variant may have an effect on normal protein folding and function, missense substitution at the X position is not a common mechanism of disease (Stenson et al., 2014)

Neuberg Centre For Genomic Medicine, NCGM
Classification: Uncertain significance for Osteogenesis imperfecta, perinatal lethal. Review status: criteria provided, single submitter. Criteria: ACMG Guidelines, 2015. Collection method: clinical testing. Allele origin: germline. Inheritance: Autosomal recessive inheritance. Affected: yes.
Comment: The missense variant c.3019G>A (p.Asp1007Asn) in COL1A2 gene has not been reported previously as a pathogenic variant nor as a benign variant, to our knowledge. This variant has been reported to the ClinVar database as Uncertain Significance. The p.Asp1007Asn variant is novel (not in any individuals) in 1000 Genomes and allele frequency of 0.002598% is reported in gnomAD. The amino acid Asp at position 1007 is changed to a Asn changing protein sequence and it might alter its composition and physico-chemical properties. For these reasons, this variant has been classified as Uncertain Significance.